The following is an entry in ClinVar:

NM_139076.3(ABRAXAS1):c.287T>C (p.Val96Ala)

Gene: ABRAXAS1 (abraxas 1, BRCA1 A complex subunit; minus strand). Cytogenetic location: 4q21.23.
Variant type: single nucleotide variant.
Coding change: c.287T>C on transcript NM_139076.3 (MANE Select); coding-DNA position 287, T replaced by C.
Protein change: p.Val96Ala; replaces valine 96 with alanine.
Molecular consequence: missense variant. On other transcripts: 5 prime UTR variant (1).
Genome position (GRCh38, 1-based): chr4:83,470,392, A>G on the plus strand (T>C on the coding strand, the complement: ABRAXAS1 is on the minus strand). VCF-style: chr4-83470392-A-G. GRCh37 (hg19) VCF-style: chr4-84391545-A-G.
Other names: c.-41T>C (NM_001345962.2); short protein forms V96A.
Identifiers: ClinVar variation 3332348 (VCV003332348.1).

ClinVar aggregate classification (germline): Uncertain significance (1 of 4 stars; one submission).

Submission:

Ambry Genetics
Classification: Uncertain significance. Last evaluated: 2024-06-13. Review status: criteria provided, single submitter. Criteria: Ambry Variant Classification Scheme 2023. Collection method: clinical testing. Allele origin: germline.
Comment: The p.V96A variant (also known as c.287T>C), located in coding exon 5 of the FAM175A gene, results from a T to C substitution at nucleotide position 287. The valine at codon 96 is replaced by alanine, an amino acid with similar properties. This amino acid position is conserved. In addition, the in silico prediction for this alteration is inconclusive. Based on the available evidence, the clinical significance of this variant remains unclear.